The following is an entry in ClinVar:

NM_004336.5(BUB1):c.2609G>A (p.Ser870Asn)

Gene: BUB1 (BUB1 mitotic checkpoint serine/threonine kinase; minus strand). Cytogenetic location: 2q13.
Variant type: single nucleotide variant.
Coding change: c.2609G>A on transcript NM_004336.5 (MANE Select); coding-DNA position 2609, G replaced by A.
Protein change: p.Ser870Asn; replaces serine 870 with asparagine.
Molecular consequence: missense variant.
Genome position (GRCh38, 1-based): chr2:110,641,658, C>T on the plus strand (G>A on the coding strand, the complement: BUB1 is on the minus strand). VCF-style: chr2-110641658-C-T. GRCh37 (hg19) VCF-style: chr2-111399235-C-T.
Other names: c.2549G>A, p.Ser850Asn (NM_001278616.2); c.2609G>A, p.Ser870Asn (NM_001278617.2); short protein forms S850N, S870N.
Identifiers: ClinVar variation 1793763 (VCV001793763.2), dbSNP rs1689508739, ClinGen allele CA348090105.

ClinVar aggregate classification (germline): Uncertain significance (1 of 4 stars; one submission).

Allele frequency attached by ClinVar (database versions not stated): TOPMed below 0.00001.

Submission:

Ambry Genetics
Classification: Uncertain significance. Last evaluated: 2024-01-12. Review status: criteria provided, single submitter. Criteria: Ambry Variant Classification Scheme 2023. Collection method: clinical testing. Allele origin: germline.
Comment: The p.S870N variant (also known as c.2609G>A), located in coding exon 21 of the BUB1 gene, results from a G to A substitution at nucleotide position 2609. The serine at codon 870 is replaced by asparagine, an amino acid with highly similar properties. This amino acid position is conserved. In addition, this alteration is predicted to be tolerated by in silico analysis. Since supporting evidence is limited at this time, the clinical significance of this alteration remains unclear.